The following is an entry in ClinVar:

ClinVar aggregate classification (germline): Pathogenic. Review status: criteria provided, single submitter (1 of 4 stars). 2 submissions from 2 submitters: Pathogenic (1). 1 of the submissions does not count toward it. Last evaluated 2020-12-01.

Conditions:
Galactosylceramide beta-galactosidase deficiency. Also called: Krabbe Disease; GALACTOCEREBROSIDASE DEFICIENCY; GALC DEFICIENCY; GLOBOID CELL LEUKOENCEPHALOPATHY; Leukodystrophy, Globoid Cell. Identifiers: Orphanet 487, MedGen C0023521, MONDO:0009499, OMIM 245200.

Allele frequency attached by ClinVar (database versions not stated): gnomAD exomes below 0.00001.
gnomAD v4.1: 1 of 1,579,612 alleles (0.000063%); highest among the groups gnomAD compares: Non-Finnish European, 0.000087%; no homozygotes.

Submissions (2):

Labcorp Genetics (formerly Invitae), Labcorp
Classification: Pathogenic for Galactosylceramide beta-galactosidase deficiency. Last evaluated: 2020-12-01. Review status: criteria provided, single submitter. Criteria: Invitae Variant Classification Sherloc (09022015). Collection method: clinical testing. Allele origin: germline.
Comment: This sequence change affects an acceptor splice site in intron 5 of the GALC gene. It is expected to disrupt RNA splicing. Variants that disrupt the donor or acceptor splice site typically lead to a loss of protein function (PMID: 16199547), and loss-of-function variants in GALC are known to be pathogenic (PMID: 7437911, 9272171, 16607461). This variant is not present in population databases (ExAC no frequency). Disruption of this splice site has been observed in individual(s) with Krabbe disease (PMID: 26108647, 26795590). ClinVar contains an entry for this variant (Variation ID: 556448). Algorithms developed to predict the effect of sequence changes on RNA splicing suggest that this variant may disrupt the consensus splice site, but this prediction has not been confirmed by published transcriptional studies. For these reasons, this variant has been classified as Pathogenic.

Counsyl
Classification: Likely pathogenic for Galactosylceramide beta-galactosidase deficiency. Last evaluated: 2018-01-31. Review status: no assertion criteria provided. Collection method: clinical testing. Allele origin: unknown. Not counted in ClinVar's aggregate classification.

Literature cited by the submitters: PubMed 16199547 (cited by Labcorp Genetics (formerly Invitae), Labcorp); PubMed 7437911 (cited by Labcorp Genetics (formerly Invitae), Labcorp); PubMed 9272171 (cited by Labcorp Genetics (formerly Invitae), Labcorp); PubMed 16607461 (cited by Labcorp Genetics (formerly Invitae), Labcorp); PubMed 26108647 (cited by Labcorp Genetics (formerly Invitae), Labcorp and Counsyl); PubMed 26795590 (cited by Labcorp Genetics (formerly Invitae), Labcorp).

NM_000153.4(GALC):c.583-1G>C

Gene: GALC (galactosylceramidase; minus strand). Cytogenetic location: 14q31.3.
Variant type: single nucleotide variant.
Coding change: c.583-1G>C on transcript NM_000153.4 (MANE Select); the canonical splice acceptor site of the intron before coding-DNA position 583, G replaced by C.
Molecular consequence: splice acceptor variant.
Genome position (GRCh38, 1-based): chr14:87,982,244, C>G on the plus strand (G>C on the coding strand, the complement: GALC is on the minus strand). VCF-style: chr14-87982244-C-G. GRCh37 (hg19) VCF-style: chr14-88448588-C-G.
Other names: c.505-1G>C (NM_001201402.2); c.514-1G>C (NM_001201401.2).
Identifiers: ClinVar variation 556448 (VCV000556448.11), dbSNP rs1555383310, ClinGen allele CA390750895.
Genomic context (GRCh38, chr14:87,982,244, plus strand): 5'-AGATACTAAAGTTGTACACACCTTAATATAATTGGCATTATATGACCTCTCATTCCAAAT[C>G]TGCAAAACAAAAAGTCAAAAAAGTCTGAATTGAAAGTTACAAAATGTCAGAAAGCAGATT-3'